The following is an entry in ClinVar:

NM_145290.4(ADGRA3):c.1699G>C (p.Asp567His)

Gene: ADGRA3 (adhesion G protein-coupled receptor A3; minus strand). Cytogenetic location: 4p15.2.
Variant type: single nucleotide variant.
Coding change: c.1699G>C on transcript NM_145290.4 (MANE Select); coding-DNA position 1699, G replaced by C.
Protein change: p.Asp567His; replaces aspartic acid 567 with histidine.
Molecular consequence: missense variant.
Genome position (GRCh38, 1-based): chr4:22,420,996, C>G on the plus strand (G>C on the coding strand, the complement: ADGRA3 is on the minus strand). VCF-style: chr4-22420996-C-G. GRCh37 (hg19) VCF-style: chr4-22422619-C-G.
Other names: short protein forms D567H.
Identifiers: ClinVar variation 4730542 (VCV004730542.1).

ClinVar aggregate classification (germline): Uncertain significance (1 of 4 stars; one submission).

Submission:

Labcorp Genetics (formerly Invitae), Labcorp
Classification: Uncertain significance. Last evaluated: 2025-11-05. Review status: criteria provided, single submitter. Criteria: Invitae Variant Classification Sherloc (09022015). Collection method: clinical testing. Allele origin: germline.
Comment: This sequence change replaces aspartic acid, which is acidic and polar, with histidine, which is basic and polar, at codon 567 of the ADGRA3 protein (p.Asp567His). This variant is not present in population databases (gnomAD no frequency). This variant has not been reported in the literature in individuals affected with ADGRA3-related conditions. An algorithm developed to predict the effect of missense changes on protein structure and function (PolyPhen-2) suggests that this variant is likely to be tolerated. In summary, the available evidence is currently insufficient to determine the role of this variant in disease. Therefore, it has been classified as a Variant of Uncertain Significance.